The following is an entry in ClinVar:

NM_016122.3(CEP83):c.629T>G (p.Val210Gly)

Gene: CEP83 (centrosomal protein 83; minus strand). Cytogenetic location: 12q22.
Variant type: single nucleotide variant.
Coding change: c.629T>G on transcript NM_016122.3 (MANE Select); coding-DNA position 629, T replaced by G.
Protein change: p.Val210Gly; replaces valine 210 with glycine.
Molecular consequence: missense variant. On other transcripts: non-coding transcript variant (3).
Genome position (GRCh38, 1-based): chr12:94,378,963, A>C on the plus strand (T>G on the coding strand, the complement: CEP83 is on the minus strand). VCF-style: chr12-94378963-A-C. GRCh37 (hg19) VCF-style: chr12-94772739-A-C.
Other names: c.629T>G, p.Val210Gly (NM_001042399.2, NM_001346457.2, NM_001346460.2 and 3 more transcripts); c.317T>G, p.Val106Gly (NM_001346458.2, NM_001346459.2, NM_001346462.2 and 2 more transcripts); c.404T>G, p.Val135Gly (NM_001368041.1); c.92T>G, p.Val31Gly (NM_001368042.1); c.629T>G (NM_016122.2); short protein forms V106G, V135G, V31G, V210G.
Identifiers: ClinVar variation 1348261 (VCV001348261.7), dbSNP rs1370385732, ClinGen allele CA386146963.

ClinVar aggregate classification (germline): Uncertain significance. Review status: criteria provided, multiple submitters, no conflicts (2 of 4 stars). 2 submissions from 2 submitters: Uncertain significance (2). Last evaluated 2025-03-19.

Conditions:
Inborn genetic diseases. Identifiers: MedGen C0950123, MeSH D030342.
Nephronophthisis 18 (NPHP18). Identifiers: Orphanet 655, MedGen C3890591, MONDO:0014374, OMIM 615862.

Allele frequency attached by ClinVar (database versions not stated): gnomAD exomes 0.00001.
gnomAD v4.1: 2 of 1,613,774 alleles (0.00012%); highest among the groups gnomAD compares: Non-Finnish European, 0.00017%; no homozygotes.

Submissions (2):

Ambry Genetics
Classification: Uncertain significance for Inborn genetic diseases. Last evaluated: 2025-03-19. Review status: criteria provided, single submitter. Criteria: Ambry Variant Classification Scheme 2023. Collection method: clinical testing. Allele origin: germline.

Labcorp Genetics (formerly Invitae), Labcorp
Classification: Uncertain significance for Nephronophthisis 18. Last evaluated: 2020-11-17. Review status: criteria provided, single submitter. Criteria: Invitae Variant Classification Sherloc (09022015). Collection method: clinical testing. Allele origin: germline.
Comment: This sequence change replaces valine with glycine at codon 210 of the CEP83 protein (p.Val210Gly). The valine residue is moderately conserved and there is a moderate physicochemical difference between valine and glycine. This variant is not present in population databases (ExAC no frequency). This variant has not been reported in the literature in individuals with CEP83-related conditions. Algorithms developed to predict the effect of missense changes on protein structure and function are either unavailable or do not agree on the potential impact of this missense change (SIFT: "Not Available"; PolyPhen-2: "Benign"; Align-GVGD: "Not Available"). In summary, the available evidence is currently insufficient to determine the role of this variant in disease. Therefore, it has been classified as a Variant of Uncertain Significance.